The following is an entry in ClinVar:

NM_001199138.2(NLRC4):c.2386T>C (p.Phe796Leu)

Gene: NLRC4 (NLR family CARD domain containing 4; minus strand). Cytogenetic location: 2p22.3.
Variant type: single nucleotide variant.
Coding change: c.2386T>C on transcript NM_001199138.2 (MANE Select); coding-DNA position 2386, T replaced by C.
Protein change: p.Phe796Leu; replaces phenylalanine 796 with leucine.
Molecular consequence: missense variant.
Genome position (GRCh38, 1-based): chr2:32,238,267, A>G on the plus strand (T>C on the coding strand, the complement: NLRC4 is on the minus strand). VCF-style: chr2-32238267-A-G. GRCh37 (hg19) VCF-style: chr2-32463336-A-G.
Other names: c.2386T>C, p.Phe796Leu (NM_001199139.2, NM_021209.5); c.391T>C, p.Phe131Leu (NM_001302504.2); short protein forms F131L, F796L.
Identifiers: ClinVar variation 1009667 (VCV001009667.8), dbSNP rs1686716523, ClinGen allele CA346509588.
Genomic context (GRCh38, chr2:32,238,267, plus strand): 5'-ACAGAGACTTGACTATGTAATCCATTCCCTCTCCAATGTCAGACAAGTGGGTCAAATGAA[A>G]TAAACACATCTTCTTCAGGTTTTTCAGGCCTTCAGCTGAAAAATGATAGAAAGGAATGCA-3'
Protein context (NP_001186067.1, residues 786-806): GLKNLKKMCL[Phe796Leu]HLTHLSDIGE

ClinVar aggregate classification (germline): Uncertain significance (1 of 4 stars; one submission).

Conditions:
Periodic fever-infantile enterocolitis-autoinflammatory syndrome. Also called: Autoinflammation with infantile enterocolitis. Identifiers: Orphanet 436166, MedGen C4015067, MONDO:0014472, OMIM 616050.
Familial cold autoinflammatory syndrome 4 (FCAS4). Identifiers: Orphanet 47045, Orphanet 576349, MedGen C4015276, MONDO:0014498, OMIM 616115.

Submission:

Labcorp Genetics (formerly Invitae), Labcorp
Classification: Uncertain significance for Periodic fever-infantile enterocolitis-autoinflammatory syndrome; Familial cold autoinflammatory syndrome 4. Last evaluated: 2020-10-20. Review status: criteria provided, single submitter. Criteria: Invitae Variant Classification Sherloc (09022015). Collection method: clinical testing. Allele origin: germline.
Comment: This sequence change replaces phenylalanine with leucine at codon 796 of the NLRC4 protein (p.Phe796Leu). The phenylalanine residue is weakly conserved and there is a small physicochemical difference between phenylalanine and leucine. In summary, the available evidence is currently insufficient to determine the role of this variant in disease. Therefore, it has been classified as a Variant of Uncertain Significance. Algorithms developed to predict the effect of missense changes on protein structure and function (SIFT, PolyPhen-2, Align-GVGD) all suggest that this variant is likely to be tolerated, but these predictions have not been confirmed by published functional studies and their clinical significance is uncertain. This variant has not been reported in the literature in individuals with NLRC4-related conditions. This variant is not present in population databases (ExAC no frequency).